The following is an entry in ClinVar:

ClinVar aggregate classification (germline): Uncertain significance. Review status: criteria provided, multiple submitters, no conflicts (2 of 4 stars). 2 submissions from 2 submitters: Uncertain significance (2). Last evaluated 2026-07-16.

Conditions:
Multiple endocrine neoplasia, type 1 (MEN1). Also called: MEN I; WERMER SYNDROME; Endocrine adenomatosis multiple; MEN 1; MEA I. Identifiers: Orphanet 652, MedGen C0025267, MeSH D018761, MONDO:0007540, OMIM 131100.
Hereditary cancer-predisposing syndrome. Also called: Hereditary Cancer Syndrome; Tumor predisposition; Neoplastic Syndromes, Hereditary; Hereditary neoplastic syndrome. Identifiers: Orphanet 140162, MedGen C0027672, MeSH D009386, MONDO:0015356.

Submissions (2):

Ambry Genetics
Classification: Uncertain significance for Hereditary cancer-predisposing syndrome. Last evaluated: 2026-07-16. Review status: criteria provided, single submitter. Criteria: Ambry Variant Classification Scheme 2023. Collection method: clinical testing. Allele origin: germline.
Comment: The p.G214C variant (also known as c.640G>T), located in coding exon 2 of the MEN1 gene, results from a G to T substitution at nucleotide position 640. The glycine at codon 214 is replaced by cysteine, an amino acid with highly dissimilar properties. This amino acid position is conserved. In addition, this alteration is predicted to be deleterious by in silico analysis. Based on the available evidence, the clinical significance of this variant remains unclear.

Labcorp Genetics (formerly Invitae), Labcorp
Classification: Uncertain significance for Multiple endocrine neoplasia, type 1. Last evaluated: 2021-04-18. Review status: criteria provided, single submitter. Criteria: Invitae Variant Classification Sherloc (09022015). Collection method: clinical testing. Allele origin: germline.
Comment: Advanced modeling of protein sequence and biophysical properties (such as structural, functional, and spatial information, amino acid conservation, physicochemical variation, residue mobility, and thermodynamic stability) performed at Invitae indicates that this missense variant is expected to disrupt MEN1 protein function. This sequence change replaces glycine with cysteine at codon 214 of the MEN1 protein (p.Gly214Cys). The glycine residue is highly conserved and there is a large physicochemical difference between glycine and cysteine. This variant is not present in population databases (ExAC no frequency). This variant has not been reported in the literature in individuals with MEN1-related conditions. In summary, the available evidence is currently insufficient to determine the role of this variant in disease. Therefore, it has been classified as a Variant of Uncertain Significance.

NM_001370259.2(MEN1):c.640G>T (p.Gly214Cys)

Gene: MEN1 (menin 1; minus strand). Cytogenetic location: 11q13.1.
Variant type: single nucleotide variant.
Coding change: c.640G>T on transcript NM_001370259.2 (MANE Select); coding-DNA position 640, G replaced by T.
Protein change: p.Gly214Cys; replaces glycine 214 with cysteine.
Molecular consequence: missense variant. On other transcripts: intron variant (2).
Genome position (GRCh38, 1-based): chr11:64,807,905, C>A on the plus strand (G>T on the coding strand, the complement: MEN1 is on the minus strand). VCF-style: chr11-64807905-C-A. GRCh37 (hg19) VCF-style: chr11-64575377-C-A.
Other names: c.655G>T, p.Gly219Cys (NM_000244.4, NM_130800.3, NM_130801.3 and 3 more transcripts); c.640G>T, p.Gly214Cys (NM_001370251.2, NM_001370260.2, NM_001370261.2 and 1 more transcripts); c.549+91G>T (NM_001370263.2, NM_001370262.2); c.640G>T (NM_130799.2); short protein forms G214C, G219C.
Identifiers: ClinVar variation 1480203 (VCV001480203.10), dbSNP rs781493730, ClinGen allele CA381185330.